The following is an entry in ClinVar:

NM_012463.4(ATP6V0A2):c.768C>T (p.Ala256=)

Gene: ATP6V0A2 (ATPase H+ transporting V0 subunit a2; plus strand). Cytogenetic location: 12q24.31.
Variant type: single nucleotide variant.
Coding change: c.768C>T on transcript NM_012463.4 (MANE Select); coding-DNA position 768, C replaced by T.
Protein change: p.Ala256=; no amino-acid change (alanine 256 retained).
Molecular consequence: synonymous variant.
Genome position (GRCh38, 1-based): chr12:123,735,567, C>T. VCF-style: chr12-123735567-C-T. GRCh37 (hg19) VCF-style: chr12-124220114-C-T.
Identifiers: ClinVar variation 511978 (VCV000511978.10), dbSNP rs373419502, ClinGen allele CA6861728.

ClinVar aggregate classification (germline): Likely benign. Review status: criteria provided, multiple submitters, no conflicts (2 of 4 stars). 3 submissions from 3 submitters: Likely benign (2). 1 of the submissions does not count toward it. Last evaluated 2025-09-15.

Conditions:
ALG9 congenital disorder of glycosylation (CDG1L). Also called: ALG9-CDG; CDG Il; CONGENITAL DISORDER OF GLYCOSYLATION, TYPE Il. Identifiers: Orphanet 79328, MedGen C2931006, MONDO:0012117, OMIM 608776.
ATP6V0A2-related disorder. Also called: ATP6V0A2-related condition.

Allele frequency attached by ClinVar (database versions not stated): gnomAD exomes 0.00002 and 0.00004; TOPMed 0.00003; gnomAD 0.00004 and 0.00005; ExAC 0.00005; ESP Exome Variant Server 0.00008.
gnomAD v4.1: 39 of 1,613,926 alleles (0.0024%); highest among the groups gnomAD compares: Middle Eastern, 0.016%; no homozygotes.

Submissions (3):

Labcorp Genetics (formerly Invitae), Labcorp
Classification: Likely benign for ALG9 congenital disorder of glycosylation. Last evaluated: 2025-09-15. Review status: criteria provided, single submitter. Criteria: Invitae Variant Classification Sherloc (09022015). Collection method: clinical testing. Allele origin: germline.

GeneDx
Classification: Likely benign. Last evaluated: 2017-09-08. Review status: criteria provided, single submitter. Criteria: GeneDx Variant Classification (06012015). Collection method: clinical testing. Allele origin: germline. Affected: yes.
Comment: This variant is considered likely benign or benign based on one or more of the following criteria: it is a conservative change, it occurs at a poorly conserved position in the protein, it is predicted to be benign by multiple in silico algorithms, and/or has population frequency not consistent with disease.

PreventionGenetics, part of Exact Sciences
Classification: Likely benign for ATP6V0A2-related condition. Last evaluated: 2019-06-06. Review status: no assertion criteria provided. Collection method: clinical testing. Allele origin: germline. Not counted in ClinVar's aggregate classification.
Comment: This variant is classified as likely benign based on ACMG/AMP sequence variant interpretation guidelines (Richards et al. 2015 PMID: 25741868, with internal and published modifications).